The following is an entry in ClinVar:

ClinVar aggregate classification (germline): Uncertain significance (1 of 4 stars; one submission).

gnomAD v4.1: 1 of 1,614,072 alleles (0.000062%); highest among the groups gnomAD compares: Non-Finnish European, 0.000085%; no homozygotes.

Submission:

GeneDx
Classification: Uncertain significance. Last evaluated: 2025-05-16. Review status: criteria provided, single submitter. Criteria: GeneDx Variant Classification Process June 2021. Collection method: clinical testing. Allele origin: germline. Affected: yes.
Comment: Not observed at significant frequency in large population cohorts (gnomAD); In silico analysis supports that this missense variant has a deleterious effect on protein structure/function; Has not been previously published as pathogenic or benign to our knowledge; Reported using the transcript encoding the epithelial isoform of the gene

NM_001723.7(DST):c.113C>T (p.Pro38Leu)

Gene: DST (dystonin; minus strand). Cytogenetic location: 6p12.1.
Variant type: single nucleotide variant.
Coding change: c.113C>T on transcript NM_001723.7 (MANE Plus Clinical); coding-DNA position 113, C replaced by T.
Protein change: p.Pro38Leu; replaces proline 38 with leucine.
Molecular consequence: missense variant. On other transcripts: intron variant (9).
Genome position (GRCh38, 1-based): chr6:56,642,676, G>A on the plus strand (C>T on the coding strand, the complement: DST is on the minus strand). VCF-style: chr6-56642676-G-A. GRCh37 (hg19) VCF-style: chr6-56507474-G-A.
Other names: c.113C>T, p.Pro38Leu (NM_015548.5); c.1680-173C>T (NM_001144769.5); c.1779-173C>T (NM_001374722.1, NM_001374736.1); c.1806-173C>T (NM_001374734.1); c.1266-173C>T (NM_001144770.2); c.1146-173C>T (NM_001374730.1, NM_001386100.1, NM_183380.4 and 1 more transcripts); short protein forms P38L.
Identifiers: ClinVar variation 4529648 (VCV004529648.1).